The following is an entry in ClinVar:

ClinVar aggregate classification (germline): Uncertain significance (1 of 4 stars; one submission).

gnomAD v4.1: 3 of 1,611,632 alleles (0.00019%); highest among the groups gnomAD compares: African/African-American, 0.0027%; no homozygotes.

Submission:

Mayo Clinic Laboratories, Mayo Clinic
Classification: Uncertain significance. Last evaluated: 2025-07-03. Review status: criteria provided, single submitter. Criteria: ACMG Guidelines, 2015. Collection method: clinical testing. Allele origin: germline. Observed: 1 variant allele.
Comment: BP4_moderate

NM_014845.6(FIG4):c.2483A>G (p.Gln828Arg)

Gene: FIG4 (FIG4 phosphoinositide 5-phosphatase; plus strand). Cytogenetic location: 6q21.
Variant type: single nucleotide variant.
Coding change: c.2483A>G on transcript NM_014845.6 (MANE Select); coding-DNA position 2483, A replaced by G.
Protein change: p.Gln828Arg; replaces glutamine 828 with arginine.
Molecular consequence: missense variant.
Genome position (GRCh38, 1-based): chr6:109,796,788, A>G. VCF-style: chr6-109796788-A-G. GRCh37 (hg19) VCF-style: chr6-110117991-A-G.
Other names: p.Gln828Arg; short protein forms Q828R.
Identifiers: ClinVar variation 4541200 (VCV004541200.1).
Genomic context (GRCh38, chr6:109,796,788, plus strand): 5'-CCTTCTTTAGCTGACTCTTATCCATTGTAATTTGTAGATTTGTTCAGCTGGGGCAGAGTC[A>G]ACATAAACAAGACAAGAATAGCCAGCAGCCCTGTTCTAGGTGCTCAGATGGAGTTATAAA-3'
Protein context (NP_055660.1, residues 818-838): YSRFVQLGQS[Gln828Arg]HKQDKNSQQP